The following is an entry in ClinVar:

ClinVar aggregate classification (germline): Conflicting classifications of pathogenicity. Review status: criteria provided, conflicting classifications (1 of 4 stars). 2 submissions from 2 submitters: Uncertain significance (1); Likely benign (1). Last evaluated 2025-02-24.

Conditions:
Hereditary breast ovarian cancer syndrome. Also called: Hereditary breast and ovarian cancer syndrome (HBOC); Hereditary breast and ovarian cancer syndrome; Breast and ovarian cancer; Hereditary breast and ovarian cancer; Hereditary breast and/or ovarian cancer syndrome; BRCA1- and BRCA2-Associated Hereditary Breast and Ovarian Cancer. Identifiers: Orphanet 145, MedGen C0677776, MeSH D061325, MONDO:0003582. Disease mechanism: loss of function.
Hereditary cancer-predisposing syndrome. Also called: Neoplastic Syndromes, Hereditary; Tumor predisposition; Hereditary neoplastic syndrome; Hereditary Cancer Syndrome. Identifiers: Orphanet 140162, MedGen C0027672, MeSH D009386, MONDO:0015356.

Submissions (2):

Labcorp Genetics (formerly Invitae), Labcorp
Classification: Uncertain significance for Hereditary breast ovarian cancer syndrome. Last evaluated: 2025-02-24. Review status: criteria provided, single submitter. Criteria: Invitae Variant Classification Sherloc (09022015). Collection method: clinical testing. Allele origin: germline.
Comment: This sequence change replaces glutamine, which is neutral and polar, with proline, which is neutral and non-polar, at codon 1683 of the BRCA2 protein (p.Gln1683Pro). This variant is not present in population databases (gnomAD no frequency). This variant has not been reported in the literature in individuals affected with BRCA2-related conditions. ClinVar contains an entry for this variant (Variation ID: 661676). Invitae Evidence Modeling of protein sequence and biophysical properties (such as structural, functional, and spatial information, amino acid conservation, physicochemical variation, residue mobility, and thermodynamic stability) indicates that this missense variant is not expected to disrupt BRCA2 protein function with a negative predictive value of 95%. In summary, the available evidence is currently insufficient to determine the role of this variant in disease. Therefore, it has been classified as a Variant of Uncertain Significance.

University of Washington Department of Laboratory Medicine, University of Washington
Classification: Likely benign for Hereditary cancer-predisposing syndrome. Last evaluated: 2023-03-23. Review status: criteria provided, single submitter. Criteria: Dines et al. (Genet Med. 2020). Collection method: curation. Allele origin: germline.
Comment: Missense variant in a coldspot region where missense variants are very unlikely to be pathogenic (PMID:31911673).

BRCA2 exon 11 coldspot. Reclassification based on statistical prior probability.

NM_000059.4(BRCA2):c.5048A>C (p.Gln1683Pro)

Gene: BRCA2 (BRCA2 DNA repair associated; plus strand). Cytogenetic location: 13q13.1.
Variant type: single nucleotide variant.
Coding change: c.5048A>C on transcript NM_000059.4 (MANE Select); coding-DNA position 5048, A replaced by C.
Protein change: p.Gln1683Pro; replaces glutamine 1683 with proline.
Molecular consequence: missense variant.
Genome position (GRCh38, 1-based): chr13:32,339,403, A>C. VCF-style: chr13-32339403-A-C. GRCh37 (hg19) VCF-style: chr13-32913540-A-C.
Other names: short protein forms Q1683P.
Identifiers: ClinVar variation 661676 (VCV000661676.10), dbSNP rs587782738, ClinGen allele CA387784015.
Genomic context (GRCh38, chr13:32,339,403, plus strand): 5'-TCATTGAAAATTCAGCCTTAGCTTTTTACACAAGTTGTAGTAGAAAAACTTCTGTGAGTC[A>C]GACTTCATTACTTGAAGCAAAAAAATGGCTTAGAGAAGGAATATTTGATGGTCAACCAGA-3'
Protein context (NP_000050.3, residues 1673-1693): TSCSRKTSVS[Gln1683Pro]TSLLEAKKWL